The following is an entry in ClinVar:

ClinVar aggregate classification (germline): Uncertain significance (1 of 4 stars; one submission).

Submission:

Labcorp Genetics (formerly Invitae), Labcorp
Classification: Uncertain significance. Last evaluated: 2026-01-19. Review status: criteria provided, single submitter. Criteria: Invitae Variant Classification Sherloc (09022015). Collection method: clinical testing. Allele origin: germline.
Comment: This sequence change replaces isoleucine, which is neutral and non-polar, with leucine, which is neutral and non-polar, at codon 792 of the ATP1A1 protein (p.Ile792Leu). This variant is not present in population databases (gnomAD no frequency). This variant has not been reported in the literature in individuals affected with ATP1A1-related conditions. ClinVar contains an entry for this variant (Variation ID: 2795868). Invitae Evidence Modeling of protein sequence and biophysical properties (such as structural, functional, and spatial information, amino acid conservation, physicochemical variation, residue mobility, and thermodynamic stability) indicates that this missense variant is not expected to disrupt ATP1A1 protein function with a negative predictive value of 95%. In summary, the available evidence is currently insufficient to determine the role of this variant in disease. Therefore, it has been classified as a Variant of Uncertain Significance.

NM_000701.8(ATP1A1):c.2374A>T (p.Ile792Leu)

Genes: ATP1A1 (ATPase Na+/K+ transporting subunit alpha 1; plus strand), ATP1A1-AS1 (ATP1A1 antisense RNA 1; minus strand). Cytogenetic location: 1p13.1.
Variant type: single nucleotide variant.
Coding change: c.2374A>T on transcript NM_000701.8 (MANE Select); coding-DNA position 2374, A replaced by T.
Protein change: p.Ile792Leu; replaces isoleucine 792 with leucine.
Molecular consequence: missense variant. On other transcripts: non-coding transcript variant (1).
Genome position (GRCh38, 1-based): chr1:116,399,010, A>T. VCF-style: chr1-116399010-A-T. GRCh37 (hg19) VCF-style: chr1-116941632-A-T.
Other names: c.2374A>T, p.Ile792Leu (NM_001160233.2); c.2281A>T, p.Ile761Leu (NM_001160234.2); short protein forms I792L, I761L.
Identifiers: ClinVar variation 2795868 (VCV002795868.3), dbSNP rs2525882549, ClinGen allele CA341773677.